The following is an entry in ClinVar:

NM_001384140.1(PCDH15):c.4671+1160A>G

Gene: PCDH15 (protocadherin related 15; minus strand). Cytogenetic location: 10q21.1.
Variant type: single nucleotide variant.
Coding change: c.4671+1160A>G on transcript NM_001384140.1 (MANE Select); 1160 bases into the intron after coding-DNA position 4671, A replaced by G.
Molecular consequence: intron variant. On other transcripts: missense variant (2), 3 prime UTR variant (1).
Genome position (GRCh38, 1-based): chr10:53,809,396, T>C on the plus strand (A>G on the coding strand, the complement: PCDH15 is on the minus strand). VCF-style: chr10-53809396-T-C. GRCh37 (hg19) VCF-style: chr10-55569156-T-C.
Other names: c.4669A>G, p.Lys1557Glu (NM_001142769.4); c.*84A>G (NM_001142770.3); c.4648A>G, p.Lys1550Glu (NM_001354411.2); c.4476+1160A>G (NM_001354420.2); c.4605+1160A>G (NM_001354429.2); c.4482+1160A>G (NM_001142772.2); c.4497+1160A>G (NM_001142771.2); short protein forms K1550E, K1557E.
Identifiers: ClinVar variation 3414726 (VCV003414726.11).

ClinVar aggregate classification (germline): Conflicting classifications of pathogenicity. Review status: criteria provided, conflicting classifications (1 of 4 stars). 4 submissions from 4 submitters: Uncertain significance (3); Likely benign (1). Last evaluated 2026-05-12.

Conditions:
PCDH15-related disorder. Also called: PCDH15-related condition; PCDH15-related disorders.
Inborn genetic diseases. Identifiers: MedGen C0950123, MeSH D030342.

gnomAD v4.1: 81 of 1,613,874 alleles (0.005%); highest among the groups gnomAD compares: Middle Eastern, 0.033%; no homozygotes.

Submissions (4):

PreventionGenetics, part of Exact Sciences
Classification: Uncertain significance for PCDH15-related condition. Last evaluated: 2026-05-12. Review status: criteria provided, single submitter. Criteria: ACMG Guidelines, 2015. Collection method: clinical testing. Allele origin: germline.
Comment: The PCDH15 c.4669A>G variant is predicted to result in the amino acid substitution p.Lys1557Glu. To our knowledge, this variant has not been reported in the literature. This variant is reported in 0.068% of alleles in individuals of Ashkenazi Jewish descent in gnomAD, which may be too frequent to be a primary cause of disease. Although we suspect that this variant may be benign, at this time, the clinical significance of this variant is uncertain due to the absence of conclusive functional and genetic evidence.

GeneDx
Classification: Uncertain significance. Last evaluated: 2025-08-21. Review status: criteria provided, single submitter. Criteria: GeneDx Variant Classification Process June 2021. Collection method: clinical testing. Allele origin: germline. Affected: yes.
Comment: In silico analysis suggests that this missense variant does not alter protein structure/function; Has not been previously published as pathogenic in association with PCDH15-related phenotype or benign to our knowledge; Reported using an alternate transcript of the gene; This variant is associated with the following publications: (PMID: 23376243)

CeGaT Center for Human Genetics Tuebingen
Classification: Likely benign. Last evaluated: 2025-08-01. Review status: criteria provided, single submitter. Criteria: CeGaT Center For Human Genetics Tuebingen Variant Classification Criteria Version 2. Collection method: clinical testing. Allele origin: germline. Affected: yes. Observed: 1 variant allele.
Comment: PCDH15: BP4

Ambry Genetics
Classification: Uncertain significance for Inborn genetic diseases. Last evaluated: 2024-12-10. Review status: criteria provided, single submitter. Criteria: Ambry Variant Classification Scheme 2023. Collection method: clinical testing. Allele origin: germline.